The following is an entry in ClinVar:

ClinVar aggregate classification (germline): Uncertain significance (1 of 4 stars; one submission).

Conditions:
Hereditary cancer-predisposing syndrome. Also called: Hereditary Cancer Syndrome; Hereditary neoplastic syndrome; Neoplastic Syndromes, Hereditary; Tumor predisposition. Identifiers: Orphanet 140162, MedGen C0027672, MeSH D009386, MONDO:0015356.

Allele frequency attached by ClinVar (database versions not stated): TOPMed below 0.00001; gnomAD 0.00001.
gnomAD v4.1: 1 of 1,613,848 alleles (0.000062%); highest among the groups gnomAD compares: Non-Finnish European, 0.000085%; no homozygotes.

Submission:

Ambry Genetics
Classification: Uncertain significance for Hereditary cancer-predisposing syndrome. Last evaluated: 2025-01-30. Review status: criteria provided, single submitter. Criteria: Ambry Variant Classification Scheme 2023. Collection method: clinical testing. Allele origin: germline.
Comment: The p.H41N variant (also known as c.121C>A), located in coding exon 1 of the GREM1 gene, results from a C to A substitution at nucleotide position 121. The histidine at codon 41 is replaced by asparagine, an amino acid with similar properties. This amino acid position is conserved. In addition, this alteration is predicted to be tolerated by in silico analysis. Since supporting evidence is limited at this time, the clinical significance of this alteration remains unclear.

NM_013372.7(GREM1):c.121C>A (p.His41Asn)

Gene: GREM1 (gremlin 1, DAN family BMP antagonist; plus strand). Cytogenetic location: 15q13.3.
Variant type: single nucleotide variant.
Coding change: c.121C>A on transcript NM_013372.7 (MANE Select); coding-DNA position 121, C replaced by A.
Protein change: p.His41Asn; replaces histidine 41 with asparagine.
Molecular consequence: missense variant. On other transcripts: intron variant (2).
Genome position (GRCh38, 1-based): chr15:32,730,811, C>A. VCF-style: chr15-32730811-C-A. GRCh37 (hg19) VCF-style: chr15-33023012-C-A.
Other names: c.121C>A, p.His41Asn (NM_001368719.1); c.114+7C>A (NM_001191323.2); c.27+94C>A (NM_001191322.2); short protein forms H41N.
Identifiers: ClinVar variation 1752618 (VCV001752618.3), dbSNP rs2055602956, ClinGen allele CA391557228.